The following is an entry in ClinVar:

ClinVar aggregate classification (germline): Pathogenic (1 of 4 stars; one submission).

Conditions:
Breast-ovarian cancer, familial, susceptibility to, 2 (BROVCA2). Also called: BRCA2 Hereditary Breast and Ovarian Cancer. Identifiers: Orphanet 145, MedGen C2675520, MONDO:0012933, OMIM 612555. Disease mechanism: loss of function.

Submission:

Myriad Genetics, Inc.
Classification: Pathogenic for Breast-ovarian cancer, familial, susceptibility to, 2. Last evaluated: 2023-02-13. Review status: criteria provided, single submitter. Criteria: Myriad Autosomal Dominant, Autosomal Recessive and X-Linked Classification Criteria (2023). Collection method: clinical testing. Allele origin: unknown.
Comment: This variant is considered pathogenic. This variant creates a frameshift predicted to result in premature protein truncation.

NM_000059.4(BRCA2):c.2019del (p.Asn673fs)

Gene: BRCA2 (BRCA2 DNA repair associated; plus strand). Cytogenetic location: 13q13.1.
Variant type: Deletion.
Coding change: c.2019del on transcript NM_000059.4 (MANE Select); coding-DNA position 2019, one base deleted (T; older notation c.2019delT).
Protein change: p.Asn673fs; shifts the reading frame from asparagine 673.
Molecular consequence: frameshift variant. On other transcripts: non-coding transcript variant (1), intron variant (2).
Genome position (GRCh38, 1-based): chr13:32,336,374, T deleted. VCF-style (leftmost placement, unchanged base first): chr13-32336373-AT-A. GRCh37 (hg19) VCF-style: chr13-32910510-AT-A.
Other names: c.2019del, p.Asn673fs (NM_001406719.1, NM_001406720.1); c.1909+2987del (NM_001406721.1); c.424+5344del (NM_001406722.1); short protein forms N673fs.
Identifiers: ClinVar variation 2573324 (VCV002573324.1), dbSNP rs2548523001, ClinGen allele CA2580614671.